The following is an entry in ClinVar:

NM_019844.4(SLCO1B3):c.*8T>C

Genes: SLCO1B3 (solute carrier organic anion transporter family member 1B3; plus strand), SLCO1B3-SLCO1B7 (SLCO1B3-SLCO1B7 readthrough; plus strand). Cytogenetic location: 12p12.2.
Variant type: single nucleotide variant.
Coding change: c.*8T>C on transcript NM_019844.4 (MANE Select); 8 bases downstream of the stop codon, T replaced by C.
Molecular consequence: 3 prime UTR variant.
Genome position (GRCh38, 1-based): chr12:20,916,255, T>C. VCF-style: chr12-20916255-T-C. GRCh37 (hg19) VCF-style: chr12-21069189-T-C.
Other names: c.*8T>C (NM_001349920.2).
Identifiers: ClinVar variation 307916 (VCV000307916.6), dbSNP rs372418887, ClinGen allele CA6475813.

ClinVar aggregate classification (germline): Conflicting classifications of pathogenicity. Review status: criteria provided, conflicting classifications (1 of 4 stars). 2 submissions from 2 submitters: Uncertain significance (1); Likely benign (1). Last evaluated 2024-10-31.

Conditions:
SLCO1B3-related disorder. Also called: SLCO1B3-related condition.
Rotor syndrome (HBLRR). Also called: HYPERBILIRUBINEMIA, ROTOR TYPE, DIGENIC; HYPERBILIRUBINEMIA, ROTOR TYPE. Identifiers: Orphanet 3111, MedGen C0220991, MONDO:0009379, OMIM 237450.

Allele frequency attached by ClinVar (database versions not stated): gnomAD exomes 0.00002 and 0.00004; ExAC 0.00003; gnomAD 0.00005 and 0.00006; TOPMed 0.00006; ESP Exome Variant Server 0.00008.
gnomAD v4.1: 30 of 1,609,844 alleles (0.0019%); highest among the groups gnomAD compares: Admixed American, 0.005%; no homozygotes.

Submissions (2):

PreventionGenetics, part of Exact Sciences
Classification: Likely benign for SLCO1B3-related condition. Last evaluated: 2024-10-31. Review status: criteria provided, single submitter. Criteria: ACMG Guidelines, 2015. Collection method: clinical testing. Allele origin: germline.
Comment: This variant is classified as likely benign based on ACMG/AMP sequence variant interpretation guidelines (Richards et al. 2015 PMID: 25741868, with internal and published modifications).

Illumina Laboratory Services, Illumina
Classification: Uncertain significance for Rotor syndrome. Last evaluated: 2018-01-13. Review status: criteria provided, single submitter. Criteria: ICSL Variant Classification Criteria 13 December 2019. Collection method: clinical testing. Allele origin: germline.